The following is an entry in ClinVar:

ClinVar aggregate classification (germline): Uncertain significance (1 of 4 stars; one submission).

Allele frequency attached by ClinVar (database versions not stated): gnomAD 0.00001; ExAC 0.00001.
gnomAD v4.1: 8 of 1,571,820 alleles (0.00051%); highest among the groups gnomAD compares: Admixed American, 0.011%; no homozygotes.

Submission:

Labcorp Genetics (formerly Invitae), Labcorp
Classification: Uncertain significance. Last evaluated: 2025-05-25. Review status: criteria provided, single submitter. Criteria: Invitae Variant Classification Sherloc (09022015). Collection method: clinical testing. Allele origin: germline.
Comment: This sequence change replaces glycine, which is neutral and non-polar, with alanine, which is neutral and non-polar, at codon 159 of the FZD2 protein (p.Gly159Ala). This variant is present in population databases (rs779004987, gnomAD 0.02%). This variant has not been reported in the literature in individuals affected with FZD2-related conditions. ClinVar contains an entry for this variant (Variation ID: 2894731). Invitae Evidence Modeling of protein sequence and biophysical properties (such as structural, functional, and spatial information, amino acid conservation, physicochemical variation, residue mobility, and thermodynamic stability) indicates that this missense variant is not expected to disrupt FZD2 protein function with a negative predictive value of 80%. In summary, the available evidence is currently insufficient to determine the role of this variant in disease. Therefore, it has been classified as a Variant of Uncertain Significance.

NM_001466.4(FZD2):c.476G>C (p.Gly159Ala)

Gene: FZD2 (frizzled class receptor 2; plus strand). Cytogenetic location: 17q21.31.
Variant type: single nucleotide variant.
Coding change: c.476G>C on transcript NM_001466.4 (MANE Select); coding-DNA position 476, G replaced by C.
Protein change: p.Gly159Ala; replaces glycine 159 with alanine.
Molecular consequence: missense variant.
Genome position (GRCh38, 1-based): chr17:44,558,164, G>C. VCF-style: chr17-44558164-G-C. GRCh37 (hg19) VCF-style: chr17-42635532-G-C.
Other names: short protein forms G159A.
Identifiers: ClinVar variation 2894731 (VCV002894731.3), dbSNP rs779004987, ClinGen allele CA8604657.